The following is an entry in ClinVar:

ClinVar aggregate classification (germline): Likely benign (0 of 4 stars; one submission).

Conditions:
AP1B1-related disorder. Also called: AP1B1-related condition.

Allele frequency attached by ClinVar (database versions not stated): gnomAD 0.00007; TOPMed 0.00009; ExAC 0.00011; ESP Exome Variant Server 0.00015; gnomAD exomes 0.00033.
gnomAD v4.1: 475 of 1,588,278 alleles (0.03%); highest among the groups gnomAD compares: Non-Finnish European, 0.039%; 1 homozygote.

Submission:

PreventionGenetics, part of Exact Sciences
Classification: Likely benign for AP1B1-related condition. Last evaluated: 2022-02-11. Review status: no assertion criteria provided. Collection method: clinical testing. Allele origin: germline.
Comment: This variant is classified as likely benign based on ACMG/AMP sequence variant interpretation guidelines (Richards et al. 2015 PMID: 25741868, with internal and published modifications).

NM_001127.4(AP1B1):c.2309+8C>T

Gene: AP1B1 (adaptor related protein complex 1 subunit beta 1; minus strand). Cytogenetic location: 22q12.2.
Variant type: single nucleotide variant.
Coding change: c.2309+8C>T on transcript NM_001127.4 (MANE Select); 8 bases into the intron after coding-DNA position 2309, C replaced by T.
Molecular consequence: intron variant.
Genome position (GRCh38, 1-based): chr22:29,334,257, G>A on the plus strand (C>T on the coding strand, the complement: AP1B1 is on the minus strand). VCF-style: chr22-29334257-G-A. GRCh37 (hg19) VCF-style: chr22-29730246-G-A.
Other names: c.2117+8C>T (NM_001378565.1); c.2138+8C>T (NM_001378564.1); c.2102+8C>T (NM_001378566.1); c.2228+8C>T (NM_001166019.2); c.2288+8C>T (NM_145730.3, NM_001378563.1); c.2309+8C>T (NM_001378562.1).
Identifiers: ClinVar variation 3054748 (VCV003054748.2), dbSNP rs376007379, ClinGen allele CA10172878.